The following is an entry in ClinVar:

ClinVar aggregate classification (germline): Conflicting classifications of pathogenicity. Review status: criteria provided, conflicting classifications (1 of 4 stars). 7 submissions from 7 submitters: Uncertain significance (6); Likely benign (1). Last evaluated 2026-07-22.

Conditions:
Inborn genetic diseases. Identifiers: MedGen C0950123, MeSH D030342.
Progressive sclerosing poliodystrophy (MTDPS4A). Also called: Mitochondrial DNA depletion syndrome 4A (Alpers type); Mitochondrial DNA Depletion Syndrome 4A; ALPERS PROGRESSIVE INFANTILE POLIODYSTROPHY; Alpers-Huttenlocher Syndrome; Alpers Syndrome; ALPERS DIFFUSE DEGENERATION OF CEREBRAL GRAY MATTER WITH HEPATIC CIRRHOSIS. Identifiers: Orphanet 726, MedGen C0205710, MONDO:0008758, OMIM 203700.
POLG-related disorder. Also called: POLG-Related Spectrum Disorders; POLG-related condition; POLG-Related Disorders. Identifiers: MedGen C4763519.

Allele frequency attached by ClinVar (database versions not stated): gnomAD 0.00006 and 0.00007; TOPMed 0.00006; gnomAD exomes 0.00012; ESP Exome Variant Server 0.00015.
gnomAD v4.1: 180 of 1,548,296 alleles (0.012%); highest among the groups gnomAD compares: Non-Finnish European, 0.015%; no homozygotes.

Submissions (7):

PreventionGenetics, part of Exact Sciences
Classification: Uncertain significance for POLG-related condition. Last evaluated: 2026-07-22. Review status: criteria provided, single submitter. Criteria: ACMG Guidelines, 2015. Collection method: clinical testing. Allele origin: germline.
Comment: The POLG c.154C>A variant is predicted to result in the amino acid substitution p.Gln52Lys. To our knowledge, this variant has not been reported in the literature. This variant is reported in 0.0095% of alleles in individuals of European (Non-Finnish) descent in gnomAD. At this time, the clinical significance of this variant is uncertain due to the absence of conclusive functional and genetic evidence.

Labcorp Genetics (formerly Invitae), Labcorp
Classification: Uncertain significance for Progressive sclerosing poliodystrophy. Last evaluated: 2026-01-12. Review status: criteria provided, single submitter. Criteria: Invitae Variant Classification Sherloc (09022015). Collection method: clinical testing. Allele origin: germline.
Comment: This sequence change replaces glutamine, which is neutral and polar, with lysine, which is basic and polar, at codon 52 of the POLG protein (p.Gln52Lys). The frequency data for this variant in the population databases is considered unreliable, as metrics indicate poor data quality at this position in the gnomAD database. This variant has not been reported in the literature in individuals affected with POLG-related conditions. ClinVar contains an entry for this variant (Variation ID: 206485). Invitae Evidence Modeling of protein sequence and biophysical properties (such as structural, functional, and spatial information, amino acid conservation, physicochemical variation, residue mobility, and thermodynamic stability) indicates that this missense variant is not expected to disrupt POLG protein function with a negative predictive value of 95%. In summary, the available evidence is currently insufficient to determine the role of this variant in disease. Therefore, it has been classified as a Variant of Uncertain Significance.

Ambry Genetics
Classification: Uncertain significance for Inborn genetic diseases. Last evaluated: 2025-08-23. Review status: criteria provided, single submitter. Criteria: Ambry Variant Classification Scheme 2023. Collection method: clinical testing. Allele origin: germline.

CeGaT Center for Human Genetics Tuebingen
Classification: Uncertain significance. Last evaluated: 2021-02-01. Review status: criteria provided, single submitter. Criteria: CeGaT Center For Human Genetics Tuebingen Variant Classification Criteria Version 2. Collection method: clinical testing. Allele origin: germline. Affected: yes. Observed: 1 variant allele.

GeneDx
Classification: Likely benign. Last evaluated: 2020-06-16. Review status: criteria provided, single submitter. Criteria: GeneDx Variant Classification Process June 2021. Collection method: clinical testing. Allele origin: germline. Affected: yes.

Athena Diagnostics
Classification: Uncertain significance. Last evaluated: 2018-11-01. Review status: criteria provided, single submitter. Criteria: Athena Diagnostics Criteria. Collection method: clinical testing. Allele origin: germline.

Wong Mito Lab, Molecular and Human Genetics, Baylor College of Medicine
Classification: Uncertain significance for Progressive sclerosing poliodystrophy. Last evaluated: 2018-10-01. Review status: criteria provided, single submitter. Criteria: ACMG Guidelines, 2015. Collection method: clinical testing. Allele origin: germline.
Comment: The NM_002693.2:c.154C>A (NP_002684.1:p.Gln52Lys) [GRCH38: NC_000015.10:g.89333601G>T] variant in POLG gene is interpretated to be a Uncertain Significance based on ACMG guidelines (PMID: 25741868). This variant meets the following evidence codes reported in the ACMG-guideline. PM2:This variant is absent in key population databases. BP4:Computational evidence/predictors indicate no impact on the POLG structure, function, or protein-protein interaction. Based on the evidence criteria codes applied, the variant is suggested to be Uncertain Significance.

NM_002693.3(POLG):c.154C>A (p.Gln52Lys)

Genes: POLGARF (POLG alternative reading frame; minus strand), POLG (DNA polymerase gamma, catalytic subunit; minus strand). Cytogenetic location: 15q26.1.
Variant type: single nucleotide variant.
Coding change: c.154C>A on transcript NM_002693.3 (MANE Select); coding-DNA position 154, C replaced by A.
Protein change: p.Gln52Lys; replaces glutamine 52 with lysine.
Molecular consequence: missense variant.
Genome position (GRCh38, 1-based): chr15:89,333,601, G>T on the plus strand (C>A on the coding strand, the complement: POLG is on the minus strand). VCF-style: chr15-89333601-G-T. GRCh37 (hg19) VCF-style: chr15-89876832-G-T.
Other names: p.Q52K:CAG>AAG; c.154C>A, p.Gln52Lys (NM_001126131.2); short protein forms Q52K.
Identifiers: ClinVar variation 206485 (VCV000206485.49), dbSNP rs376683989, ClinGen allele CA316623.